The following is an entry in ClinVar:

NM_000515.5(GH1):c.535G>C (p.Asp179His)

Genes: GH-LCR (growth hormone locus control region; plus strand), GH1 (growth hormone 1; minus strand). Cytogenetic location: 17q23.3.
Variant type: single nucleotide variant.
Coding change: c.535G>C on transcript NM_000515.5 (MANE Select); coding-DNA position 535, G replaced by C.
Protein change: p.Asp179His; replaces aspartic acid 179 with histidine.
Molecular consequence: missense variant.
Genome position (GRCh38, 1-based): chr17:63,917,428, C>G on the plus strand (G>C on the coding strand, the complement: GH1 is on the minus strand). VCF-style: chr17-63917428-C-G. GRCh37 (hg19) VCF-style: chr17-61994788-C-G.
Other names: c.490G>C, p.Asp164His (NM_022559.4); c.415G>C, p.Asp139His (NM_022560.4); short protein forms D139H, D179H, D164H.
Identifiers: ClinVar variation 891323 (VCV000891323.11), dbSNP rs151243538, ClinGen allele CA8708128.
Genomic context (GRCh38, chr17:63,917,428, plus strand): 5'-CCTTGTCCATGTCCTTCCTGAAGCAGTAGAGCAGCCCGTAGTTCTTGAGTAGTGCGTCAT[C>G]GTTGTGTGAGTTTGTGTCGAACTTGCTGTAGGTCTGCTTGAAGATCTGCCCAGTCCGGGG-3'
Protein context (NP_000506.2, residues 169-189): YSKFDTNSHN[Asp179His]DALLKNYGLL

ClinVar aggregate classification (germline): Uncertain significance. Review status: criteria provided, multiple submitters, no conflicts (2 of 4 stars). 4 submissions from 4 submitters: Uncertain significance (4). Last evaluated 2025-11-05.

Conditions:
Decreased response to growth hormone stimulation test. Also called: Growth hormone deficiency. Identifiers: MedGen C5539399, HP:0000824.

Allele frequency attached by ClinVar (database versions not stated): 1000 Genomes Project 30x 0.00016; gnomAD 0.00021; TOPMed 0.00025.
gnomAD v4.1: 557 of 1,613,952 alleles (0.035%); highest among the groups gnomAD compares: Non-Finnish European, 0.044%; no homozygotes.

Submissions (4):

Women's Health and Genetics/Laboratory Corporation of America, LabCorp
Classification: Uncertain significance. Last evaluated: 2025-11-05. Review status: criteria provided, single submitter. Criteria: LabCorp Variant Classification Summary - May 2015. Collection method: clinical testing. Allele origin: germline.
Comment: Variant summary: GH1 c.535G>C (p.Asp179His) results in a non-conservative amino acid change in the encoded protein sequence. Algorithms developed to predict the effect of missense changes on protein structure and function are either unavailable or do not agree on the potential impact of this missense change. The variant allele was found at a frequency of 0.00013 in 251168 control chromosomes (gnomAD). This frequency is not significantly higher than estimated for disease-causing variants in GH1, allowing no conclusion about variant significance. c.535G>C has been observed in at least one individual affected with Idiopathic Growth Hormone Deficiency (de Graaff_2009). The report does not provide unequivocal conclusions about association of the variant with Idiopathic Growth Hormone Deficiency. At least one publication reports experimental evidence evaluating an impact on protein function and this variant showed a marked reduction in GH concentration in transfected cells (de Graaff_2009). The following publication have been ascertained in the context of this evaluation (PMID: 18785993). ClinVar contains an entry for this variant (Variation ID: 891323). Based on the evidence outlined above, the variant was classified as VUS-possibly pathogenic.

Labcorp Genetics (formerly Invitae), Labcorp
Classification: Uncertain significance. Last evaluated: 2025-09-01. Review status: criteria provided, single submitter. Criteria: Invitae Variant Classification Sherloc (09022015). Collection method: clinical testing. Allele origin: germline.
Comment: This sequence change replaces aspartic acid, which is acidic and polar, with histidine, which is basic and polar, at codon 179 of the GH1 protein (p.Asp179His). This variant is present in population databases (rs151243538, gnomAD 0.02%). This missense change has been observed in individual(s) with autosomal dominant growth hormone deficiency (PMID: 18785993). ClinVar contains an entry for this variant (Variation ID: 891323). An algorithm developed to predict the effect of missense changes on protein structure and function (PolyPhen-2) suggests that this variant is likely to be tolerated. Experimental studies have shown that this missense change affects GH1 function (PMID: 18785993). In summary, the available evidence is currently insufficient to determine the role of this variant in disease. Therefore, it has been classified as a Variant of Uncertain Significance.

GeneDx
Classification: Uncertain significance. Last evaluated: 2022-12-27. Review status: criteria provided, single submitter. Criteria: GeneDx Variant Classification Process June 2021. Collection method: clinical testing. Allele origin: germline. Affected: yes.
Comment: Identified in the heterozygous state in one individual with partial IGHD, but segregation data is limited (de Graaff et al., 2009); In silico analysis supports that this missense variant has a deleterious effect on protein structure/function; Also known as p.(D153H); This variant is associated with the following publications: (PMID: 18785993)

Illumina Laboratory Services, Illumina
Classification: Uncertain significance for Growth hormone deficiency. Last evaluated: 2017-04-28. Review status: criteria provided, single submitter. Criteria: ICSL Variant Classification Criteria 13 December 2019. Collection method: clinical testing. Allele origin: germline.
Comment: This variant was observed as part of a predisposition screen in an ostensibly healthy population. A literature search was performed for the gene, cDNA change, and amino acid change (where applicable). Publications were found based on this search. However, the evidence from the literature, in combination with allele frequency data from public databases where available, was not sufficient to rule this variant in or out of causing disease. Therefore, this variant is classified as a variant of unknown significance.

Literature cited by the submitters: PubMed 18785993 (cited by 3 submitters).